The following is an entry in ClinVar:

ClinVar aggregate classification (germline): Pathogenic (1 of 4 stars; one submission).

Submission:

Labcorp Genetics (formerly Invitae), Labcorp
Classification: Pathogenic. Last evaluated: 2023-01-02. Review status: criteria provided, single submitter. Criteria: Invitae Variant Classification Sherloc (09022015). Collection method: clinical testing. Allele origin: germline.
Comment: For these reasons, this variant has been classified as Pathogenic. This variant disrupts a region of the ZNF469 protein in which other variant(s) (p.Pro3556Glnfs*136) have been determined to be pathogenic (PMID: 32671420). This suggests that this is a clinically significant region of the protein, and that variants that disrupt it are likely to be disease-causing. This variant has not been reported in the literature in individuals affected with ZNF469-related conditions. This variant is not present in population databases (gnomAD no frequency). This sequence change creates a premature translational stop signal (p.Val1284Serfs*22) in the ZNF469 gene. While this is not anticipated to result in nonsense mediated decay, it is expected to disrupt the last 2642 amino acid(s) of the ZNF469 protein.

Literature cited by the submitters: PubMed 32671420.

NM_001367624.2(ZNF469):c.3932dup (p.Val1312fs)

Gene: ZNF469 (zinc finger protein 469; plus strand). Cytogenetic location: 16q24.2.
Variant type: Duplication.
Coding change: c.3932dup on transcript NM_001367624.2 (MANE Select); coding-DNA position 3932, one base duplicated (C; older notation c.3932dupC).
Protein change: p.Val1312fs; shifts the reading frame from valine 1312.
Molecular consequence: frameshift variant.
Genome position (GRCh38, 1-based): chr16:88,431,402, C duplicated; the last of 4 consecutive C bases (chr16:88,431,399-88,431,402); duplicating any one gives the same sequence. VCF-style (leftmost placement, unchanged base first): chr16-88431398-G-GC. GRCh37 (hg19) VCF-style: chr16-88497806-G-GC.
Other names: short protein forms V1312fs.
Identifiers: ClinVar variation 2825996 (VCV002825996.3), dbSNP rs2507585527, ClinGen allele CA2634824405.
Genomic context (GRCh38, chr16:88,431,398, plus strand): 5'-CACGGAAGCTCGCCAACGCCAGGTGTGGGCAGCCTGCTGGGTGGTCCTGGGGGCACACAG[G>GC]CCCCAGTCTCCCACAACAGCAAGGACCCCCCTGCCCGCCAGCCTGGAGAATTTCTGGCAC-3'